The following is an entry in ClinVar:

ClinVar aggregate classification (germline): Uncertain significance (1 of 4 stars; one submission).

gnomAD v4.1: 1 of 1,614,180 alleles (0.000062%); highest among the groups gnomAD compares: South Asian, 0.0011%; no homozygotes.

Submission:

Labcorp Genetics (formerly Invitae), Labcorp
Classification: Uncertain significance. Last evaluated: 2025-06-23. Review status: criteria provided, single submitter. Criteria: Invitae Variant Classification Sherloc (09022015). Collection method: clinical testing. Allele origin: germline.
Comment: This sequence change replaces proline, which is neutral and non-polar, with leucine, which is neutral and non-polar, at codon 77 of the ATP1A1 protein (p.Pro77Leu). This variant is not present in population databases (gnomAD no frequency). This variant has not been reported in the literature in individuals affected with ATP1A1-related conditions. Invitae Evidence Modeling of protein sequence and biophysical properties (such as structural, functional, and spatial information, amino acid conservation, physicochemical variation, residue mobility, and thermodynamic stability) indicates that this missense variant is not expected to disrupt ATP1A1 protein function with a negative predictive value of 95%. In summary, the available evidence is currently insufficient to determine the role of this variant in disease. Therefore, it has been classified as a Variant of Uncertain Significance.

NM_000701.8(ATP1A1):c.230C>T (p.Pro77Leu)

Gene: ATP1A1 (ATPase Na+/K+ transporting subunit alpha 1; plus strand). Cytogenetic location: 1p13.1.
Variant type: single nucleotide variant.
Coding change: c.230C>T on transcript NM_000701.8 (MANE Select); coding-DNA position 230, C replaced by T.
Protein change: p.Pro77Leu; replaces proline 77 with leucine.
Molecular consequence: missense variant.
Genome position (GRCh38, 1-based): chr1:116,387,334, C>T. VCF-style: chr1-116387334-C-T. GRCh37 (hg19) VCF-style: chr1-116929956-C-T.
Other names: c.230C>T, p.Pro77Leu (NM_001160233.2); c.137C>T, p.Pro46Leu (NM_001160234.2); short protein forms P77L, P46L.
Identifiers: ClinVar variation 4746701 (VCV004746701.1).
Genomic context (GRCh38, chr1:116,387,334, plus strand): 5'-CCACTGCTTCTCAGGGATTAACATCTGCTCGTGCAGCTGAGATCCTGGCGCGAGATGGTC[C>T]CAACGCCCTCACTCCCCCTCCCACTACTCCTGAATGGATCAAGTTTTGTCGGCAGCTCTT-3'
Protein context (NP_000692.2, residues 67-87): RAAEILARDG[Pro77Leu]NALTPPPTTP